The following is an entry in ClinVar:

ClinVar aggregate classification (germline): Uncertain significance. Review status: criteria provided, multiple submitters, no conflicts (2 of 4 stars). 3 submissions from 3 submitters: Uncertain significance (3). Last evaluated 2025-04-10.

Conditions:
NF1-related disorder. Also called: NF1-related condition. Identifiers: MedGen CN379171.
Neurofibromatosis, type 1 (NF1). Also called: Neurofibromatosis, type I; VON RECKLINGHAUSEN DISEASE; NEUROFIBROMATOSIS, TYPE I, SOMATIC; Peripheral type neurofibromatosis. Identifiers: Orphanet 636, MedGen C0027831, MONDO:0018975, OMIM 162200. Disease mechanism: loss of function.
Hereditary cancer-predisposing syndrome. Also called: Tumor predisposition; Neoplastic Syndromes, Hereditary; Hereditary Cancer Syndrome; Hereditary neoplastic syndrome. Identifiers: Orphanet 140162, MedGen C0027672, MeSH D009386, MONDO:0015356.
Cardiovascular phenotype. Identifiers: MedGen CN230736.

Submissions (3):

Labcorp Genetics (formerly Invitae), Labcorp
Classification: Uncertain significance for Neurofibromatosis, type 1. Last evaluated: 2025-04-10. Review status: criteria provided, single submitter. Criteria: Invitae Variant Classification Sherloc (09022015). Collection method: clinical testing. Allele origin: germline.
Comment: This sequence change replaces glutamic acid, which is acidic and polar, with lysine, which is basic and polar, at codon 2347 of the NF1 protein (p.Glu2347Lys). This variant is not present in population databases (gnomAD no frequency). This variant has not been reported in the literature in individuals affected with NF1-related conditions. ClinVar contains an entry for this variant (Variation ID: 1413257). Invitae Evidence Modeling of protein sequence and biophysical properties (such as structural, functional, and spatial information, amino acid conservation, physicochemical variation, residue mobility, and thermodynamic stability) indicates that this missense variant is expected to disrupt NF1 protein function with a positive predictive value of 95%. In summary, the available evidence is currently insufficient to determine the role of this variant in disease. Therefore, it has been classified as a Variant of Uncertain Significance.

PreventionGenetics, part of Exact Sciences
Classification: Uncertain significance for NF1-related condition. Last evaluated: 2025-01-07. Review status: criteria provided, single submitter. Criteria: ACMG Guidelines, 2015. Collection method: clinical testing. Allele origin: germline.
Comment: The NF1 c.7102G>A variant is predicted to result in the amino acid substitution p.Glu2368Lys. To our knowledge, this variant has not been reported in the literature or in a large population database (gnomAD), indicating this variant is rare. At this time, the clinical significance of this variant is uncertain due to the absence of conclusive functional and genetic evidence.

Ambry Genetics
Classification: Uncertain significance for Cardiovascular phenotype; Hereditary cancer-predisposing syndrome. Last evaluated: 2024-02-25. Review status: criteria provided, single submitter. Criteria: Ambry Variant Classification Scheme 2023. Collection method: clinical testing. Allele origin: germline.
Comment: The p.E2347K variant (also known as c.7039G>A), located in coding exon 47 of the NF1 gene, results from a G to A substitution at nucleotide position 7039. The glutamic acid at codon 2347 is replaced by lysine, an amino acid with similar properties. This amino acid position is conserved. In addition, the in silico prediction for this alteration is inconclusive. Based on the available evidence, the clinical significance of this alteration remains unclear.

NM_001042492.3(NF1):c.7102G>A (p.Glu2368Lys)

Gene: NF1 (neurofibromin 1; plus strand). Cytogenetic location: 17q11.2.
Variant type: single nucleotide variant.
Coding change: c.7102G>A on transcript NM_001042492.3 (MANE Select); coding-DNA position 7102, G replaced by A.
Protein change: p.Glu2368Lys; replaces glutamic acid 2368 with lysine.
Molecular consequence: missense variant.
Genome position (GRCh38, 1-based): chr17:31,343,048, G>A. VCF-style: chr17-31343048-G-A. GRCh37 (hg19) VCF-style: chr17-29670066-G-A.
Other names: c.7039G>A, p.Glu2347Lys (NM_000267.4); short protein forms E2368K, E2347K.
Identifiers: ClinVar variation 1413257 (VCV001413257.10), dbSNP rs2151565046, ClinGen allele CA399015584.